The following is an entry in ClinVar:

NM_018230.3(NUP133):c.3170A>G (p.Tyr1057Cys)

Gene: NUP133 (nucleoporin 133; minus strand). Cytogenetic location: 1q42.13.
Variant type: single nucleotide variant.
Coding change: c.3170A>G on transcript NM_018230.3 (MANE Select); coding-DNA position 3170, A replaced by G.
Protein change: p.Tyr1057Cys; replaces tyrosine 1057 with cysteine.
Molecular consequence: missense variant.
Genome position (GRCh38, 1-based): chr1:229,450,535, T>C on the plus strand (A>G on the coding strand, the complement: NUP133 is on the minus strand). VCF-style: chr1-229450535-T-C. GRCh37 (hg19) VCF-style: chr1-229586282-T-C.
Other names: short protein forms Y1057C.
Identifiers: ClinVar variation 2167876 (VCV002167876.4), dbSNP rs776646966, ClinGen allele CA1443096.

ClinVar aggregate classification (germline): Uncertain significance (1 of 4 stars; one submission).

Allele frequency attached by ClinVar (database versions not stated): gnomAD exomes below 0.00001; ExAC 0.00001; gnomAD 0.00001; TOPMed 0.00001.
gnomAD v4.1: 6 of 1,572,878 alleles (0.00038%); highest among the groups gnomAD compares: East Asian, 0.0023%; no homozygotes.

Submission:

Labcorp Genetics (formerly Invitae), Labcorp
Classification: Uncertain significance. Last evaluated: 2023-08-28. Review status: criteria provided, single submitter. Criteria: Invitae Variant Classification Sherloc (09022015). Collection method: clinical testing. Allele origin: germline.
Comment: ClinVar contains an entry for this variant (Variation ID: 2167876). This variant has not been reported in the literature in individuals affected with NUP133-related conditions. An algorithm developed to predict the effect of missense changes on protein structure and function (PolyPhen-2) suggests that this variant is likely to be disruptive. In summary, the available evidence is currently insufficient to determine the role of this variant in disease. Therefore, it has been classified as a Variant of Uncertain Significance. The frequency data for this variant in the population databases is considered unreliable, as metrics indicate poor data quality at this position in the gnomAD database. This sequence change replaces tyrosine, which is neutral and polar, with cysteine, which is neutral and slightly polar, at codon 1057 of the NUP133 protein (p.Tyr1057Cys).